The following is an entry in ClinVar:

NM_001007527.2(LMBRD2):c.1063T>A (p.Phe355Ile)

Gene: LMBRD2 (LMBR1 domain containing 2; minus strand). Cytogenetic location: 5p13.2.
Variant type: single nucleotide variant.
Coding change: c.1063T>A on transcript NM_001007527.2 (MANE Select); coding-DNA position 1063, T replaced by A.
Protein change: p.Phe355Ile; replaces phenylalanine 355 with isoleucine.
Molecular consequence: missense variant.
Genome position (GRCh38, 1-based): chr5:36,122,337, A>T on the plus strand (T>A on the coding strand, the complement: LMBRD2 is on the minus strand). VCF-style: chr5-36122337-A-T. GRCh37 (hg19) VCF-style: chr5-36122439-A-T.
Other names: short protein forms F355I.
Identifiers: ClinVar variation 3900147 (VCV003900147.1).
Genomic context (GRCh38, chr5:36,122,337, plus strand): 5'-TACCAAATGTAGGATTATAAAAATATTGGATAAATCGATTTTCTGGCTCTGGCGATTGAA[A>T]GGTGTGAACAAACTGATGAGTAGCACTAGTTTCATTTTTTGCTACATCTTCTAGATAAAA-3'
Protein context (NP_001007528.1, residues 345-365): TSATHQFVHT[Phe355Ile]QSPEPENRFI

ClinVar aggregate classification (germline): Uncertain significance (1 of 4 stars; one submission).

Submission:

GeneDx
Classification: Uncertain significance. Last evaluated: 2024-11-24. Review status: criteria provided, single submitter. Criteria: GeneDx Variant Classification Process June 2021. Collection method: clinical testing. Allele origin: germline. Affected: yes.
Comment: Not observed at significant frequency in large population cohorts (gnomAD); In silico analysis supports that this missense variant has a deleterious effect on protein structure/function; Has not been previously published as pathogenic or benign to our knowledge